The following is an entry in ClinVar:

NM_182925.5(FLT4):c.3019dup (p.Ser1007fs)

Gene: FLT4 (fms related receptor tyrosine kinase 4; minus strand). Cytogenetic location: 5q35.3.
Variant type: Duplication.
Coding change: c.3019dup on transcript NM_182925.5 (MANE Select); coding-DNA position 3019, one base duplicated (A; older notation c.3019dupA).
Protein change: p.Ser1007fs; shifts the reading frame from serine 1007.
Molecular consequence: frameshift variant.
Genome position (GRCh38, 1-based): chr5:180,616,977, T duplicated on the plus strand (A on the coding strand, the reverse complement: FLT4 is on the minus strand). VCF-style (leftmost placement, unchanged base first): chr5-180616976-C-CT. GRCh37 (hg19) VCF-style: chr5-180043976-C-CT.
Other names: c.3019dup, p.Ser1007fs (NM_001354989.2, NM_002020.5); short protein forms S1007fs.
Identifiers: ClinVar variation 2636940 (VCV002636940.1), dbSNP rs2480869226, ClinGen allele CA2695198799.

ClinVar aggregate classification (germline): Pathogenic (1 of 4 stars; one submission).

Conditions:
FLT4-related disorder. Also called: FLT4-related condition.

Submission:

PreventionGenetics, part of Exact Sciences
Classification: Pathogenic for FLT4-related condition. Last evaluated: 2022-10-19. Review status: criteria provided, single submitter. Criteria: ACMG Guidelines, 2015. Collection method: clinical testing. Allele origin: germline.
Comment: The FLT4 c.3019dupA variant is predicted to result in a frameshift and premature protein termination (p.Ser1007Lysfs*49). To our knowledge, this variant has not been reported in the literature or in a large population database, indicating this variant is rare. Frameshift variants in FLT4 are expected to be pathogenic. This variant is interpreted as pathogenic.